The following is an entry in ClinVar:

ClinVar aggregate classification (germline): Uncertain significance (1 of 4 stars; one submission).

Allele frequency attached by ClinVar (database versions not stated): ExAC 0.00002; gnomAD exomes 0.00002.
gnomAD v4.1: 42 of 1,612,780 alleles (0.0026%); highest among the groups gnomAD compares: Middle Eastern, 0.016%; no homozygotes.

Submission:

Laboratory for Molecular Medicine, Mass General Brigham Personalized Medicine
Classification: Uncertain significance. Last evaluated: 2011-11-30. Review status: criteria provided, single submitter. Criteria: LMM Criteria. Collection method: clinical testing. Allele origin: germline. Observed: 1 variant allele.
Comment: Variant classified as Uncertain Significance - Favor Benign. The Arg1134Gln vari ant in OTOF has not been reported in the literature nor previously identified by our laboratory. Computational analyses (biochemical amino acid properties, homo logy, PolyPhen2, SIFT, AlignGVGD) do not provide strong support for or against p athogenicity. In summary, the clinical significance of this variant can not be d etermined at this time.

NM_194248.3(OTOF):c.3401G>A (p.Arg1134Gln)

Gene: OTOF (otoferlin; minus strand). Cytogenetic location: 2p23.3.
Variant type: single nucleotide variant.
Coding change: c.3401G>A on transcript NM_194248.3 (MANE Select); coding-DNA position 3401, G replaced by A.
Protein change: p.Arg1134Gln; replaces arginine 1134 with glutamine.
Molecular consequence: missense variant.
Genome position (GRCh38, 1-based): chr2:26,473,998, C>T on the plus strand (G>A on the coding strand, the complement: OTOF is on the minus strand). VCF-style: chr2-26473998-C-T. GRCh37 (hg19) VCF-style: chr2-26696866-C-T.
Other names: c.3401G>A, p.Arg1134Gln (NM_001287489.2); c.1160G>A, p.Arg387Gln (NM_004802.4, NM_194323.3); c.1331G>A, p.Arg444Gln (NM_194322.3); short protein forms R1134Q, R387Q, R444Q.
Identifiers: ClinVar variation 48215 (VCV000048215.5), dbSNP rs397517943, ClinGen allele CA142848.